The following is an entry in ClinVar:

ClinVar aggregate classification (germline): Uncertain significance (1 of 4 stars; one submission).

gnomAD v4.1: 1 of 1,613,364 alleles (0.000062%); no homozygotes.

Submission:

Labcorp Genetics (formerly Invitae), Labcorp
Classification: Uncertain significance. Last evaluated: 2021-08-26. Review status: criteria provided, single submitter. Criteria: Invitae Variant Classification Sherloc (09022015). Collection method: clinical testing. Allele origin: germline.
Comment: In summary, the available evidence is currently insufficient to determine the role of this variant in disease. Therefore, it has been classified as a Variant of Uncertain Significance. Algorithms developed to predict the effect of missense changes on protein structure and function are either unavailable or do not agree on the potential impact of this missense change (SIFT: "Deleterious"; PolyPhen-2: "Possibly Damaging"; Align-GVGD: "Class C0"). This variant has not been reported in the literature in individuals affected with MYSM1-related conditions. This variant is not present in population databases (ExAC no frequency). This sequence change replaces alanine with valine at codon 645 of the MYSM1 protein (p.Ala645Val). The alanine residue is highly conserved and there is a small physicochemical difference between alanine and valine.

NM_001085487.3(MYSM1):c.1934C>T (p.Ala645Val)

Gene: MYSM1 (Myb like, SWIRM and MPN domains 1; minus strand). Cytogenetic location: 1p32.1.
Variant type: single nucleotide variant.
Coding change: c.1934C>T on transcript NM_001085487.3 (MANE Select); coding-DNA position 1934, C replaced by T.
Protein change: p.Ala645Val; replaces alanine 645 with valine.
Molecular consequence: missense variant.
Genome position (GRCh38, 1-based): chr1:58,667,135, G>A on the plus strand (C>T on the coding strand, the complement: MYSM1 is on the minus strand). VCF-style: chr1-58667135-G-A. GRCh37 (hg19) VCF-style: chr1-59132807-G-A.
Other names: short protein forms A645V.
Identifiers: ClinVar variation 1501826 (VCV001501826.6), dbSNP rs2100602470, ClinGen allele CA340519373.